The following is an entry in ClinVar:

NM_000424.4(KRT5):c.442_443del (p.Leu149fs)

Gene: KRT5 (keratin 5; minus strand). Cytogenetic location: 12q13.13.
Variant type: Microsatellite.
Coding change: c.442_443del on transcript NM_000424.4 (MANE Select); coding-DNA positions 442 to 443, 2 bases deleted (AG; older notation c.442_443delAG).
Protein change: p.Leu149fs; shifts the reading frame from leucine 149.
Molecular consequence: frameshift variant.
Genome position (GRCh38, 1-based): chr12:52,519,854-52,519,855, CT deleted on the plus strand (AG on the coding strand, the reverse complement: KRT5 is on the minus strand); deleting any 2 consecutive bases within chr12:52,519,854-52,519,857 gives the same sequence; the c. name uses the placement nearest the transcript's 3' end. VCF-style (leftmost placement, unchanged base first): chr12-52519853-ACT-A. GRCh37 (hg19) VCF-style: chr12-52913637-ACT-A.
Other names: short protein forms L149fs.
Identifiers: ClinVar variation 66239 (VCV000066239.3), dbSNP rs57739872, ClinGen allele CA216715.

ClinVar aggregate classification (germline): Uncertain significance. Review status: criteria provided, single submitter (1 of 4 stars). 2 submissions from 2 submitters: Uncertain significance (1). 1 of the submissions does not count toward it. Last evaluated 2026-04-17.

Conditions:
Epidermolysis bullosa simplex 2d, generalized, intermediate or severe, autosomal recessive. Identifiers: MedGen C5562014, MONDO:0030535, OMIM 619599.

Submissions (2):

Dasa
Classification: Uncertain significance for Epidermolysis bullosa simplex 2d, generalized, intermediate or severe, autosomal recessive. Last evaluated: 2026-04-17. Review status: criteria provided, single submitter. Criteria: DASA Assertion Criteria. Collection method: clinical testing. Allele origin: germline.
Comment: NM_000424.4(KRT5):c.442_443del (p.Leu149Profs*29) is a frameshift variant in KRT5 predicted to alter the reading frame and introduce a premature termination codon and is predicted to result in an absent or altered protein product. This variant is rare in population databases. The currently available literature and clinical evidence are not sufficient to establish a definitive association between this variant and the reported condition. Therefore, this variant is classified as a variant of uncertain significance.

Epithelial Biology;  Institute of Medical Biology, Singapore
No classification provided. Review status: no classification provided. Collection method: not provided. Allele origin: not provided. Not counted in ClinVar's aggregate classification.